The following is an entry in ClinVar:

ClinVar aggregate classification (germline): Benign. Review status: criteria provided, single submitter (1 of 4 stars). 2 submissions from 2 submitters: Benign (1). 1 of the submissions does not count toward it. Last evaluated 2018-07-06.

Conditions:
CDK20-related disorder. Also called: CDK20-related condition.

Allele frequency attached by ClinVar (database versions not stated): gnomAD exomes 0.00031; ExAC 0.00037; gnomAD 0.00137 and 0.00148; TOPMed 0.00142; ESP Exome Variant Server 0.00154; 1000 Genomes Project 30x 0.00187; 1000 Genomes Project 0.00200.
gnomAD v4.1: 475 of 1,614,134 alleles (0.029%); highest among the groups gnomAD compares: African/African-American, 0.43%; 1 homozygote.

Submissions (2):

Labcorp Genetics (formerly Invitae), Labcorp
Classification: Benign. Last evaluated: 2018-07-06. Review status: criteria provided, single submitter. Criteria: Invitae Variant Classification Sherloc (09022015). Collection method: clinical testing. Allele origin: germline.

PreventionGenetics, part of Exact Sciences
Classification: Likely benign for CDK20-related condition. Last evaluated: 2021-02-17. Review status: no assertion criteria provided. Collection method: clinical testing. Allele origin: germline. Not counted in ClinVar's aggregate classification.
Comment: This variant is classified as likely benign based on ACMG/AMP sequence variant interpretation guidelines (Richards et al. 2015 PMID: 25741868, with internal and published modifications).

NM_001039803.3(CDK20):c.500+8G>A

Gene: CDK20 (cyclin dependent kinase 20; minus strand). Cytogenetic location: 9q22.1.
Variant type: single nucleotide variant.
Coding change: c.500+8G>A on transcript NM_001039803.3 (MANE Select); 8 bases into the intron after coding-DNA position 500, G replaced by A.
Molecular consequence: intron variant.
Genome position (GRCh38, 1-based): chr9:87,970,768, C>T on the plus strand (G>A on the coding strand, the complement: CDK20 is on the minus strand). VCF-style: chr9-87970768-C-T. GRCh37 (hg19) VCF-style: chr9-90585683-C-T.
Other names: c.500+8G>A (NM_001170640.2, NM_001170639.2, NM_012119.5); c.539+8G>A (NM_178432.4).
Identifiers: ClinVar variation 790617 (VCV000790617.5), dbSNP rs372639473, ClinGen allele CA5114143.
Genomic context (GRCh38, chr9:87,970,768, plus strand): 5'-TCTGGAGAAAAGGCCCAGAAGCATCTCTTCCCCATGGAGAAGACTGGAAGGGATCTGGCC[C>T]TCCCTACCTGGTGGCCACCTGGTGTGTGTAGAGGCGGCTGCCGTCTGGGGAAAAGACTCG-3'